The following is an entry in ClinVar:

NM_001105206.3(LAMA4):c.3617A>G (p.Gln1206Arg)

Gene: LAMA4 (laminin subunit alpha 4; minus strand). Cytogenetic location: 6q21.
Variant type: single nucleotide variant.
Coding change: c.3617A>G on transcript NM_001105206.3 (MANE Select); coding-DNA position 3617, A replaced by G.
Protein change: p.Gln1206Arg; replaces glutamine 1206 with arginine.
Molecular consequence: missense variant.
Genome position (GRCh38, 1-based): chr6:112,133,428, T>C on the plus strand (A>G on the coding strand, the complement: LAMA4 is on the minus strand). VCF-style: chr6-112133428-T-C. GRCh37 (hg19) VCF-style: chr6-112454630-T-C.
Other names: c.3596A>G, p.Gln1199Arg (NM_001105207.3, NM_002290.5); short protein forms Q1206R, Q1199R.
Identifiers: ClinVar variation 1419584 (VCV001419584.6), dbSNP rs1779158150, ClinGen allele CA365375579.

ClinVar aggregate classification (germline): Uncertain significance (1 of 4 stars; one submission).

Conditions:
Dilated cardiomyopathy 1JJ (CMD1JJ). Identifiers: Orphanet 154, MedGen C3808935, MONDO:0014095, OMIM 615235.

Submission:

Labcorp Genetics (formerly Invitae), Labcorp
Classification: Uncertain significance for Dilated cardiomyopathy 1JJ. Last evaluated: 2021-10-07. Review status: criteria provided, single submitter. Criteria: Invitae Variant Classification Sherloc (09022015). Collection method: clinical testing. Allele origin: germline.
Comment: This variant has not been reported in the literature in individuals affected with LAMA4-related conditions. In summary, the available evidence is currently insufficient to determine the role of this variant in disease. Therefore, it has been classified as a Variant of Uncertain Significance. Algorithms developed to predict the effect of missense changes on protein structure and function (SIFT, PolyPhen-2, Align-GVGD) all suggest that this variant is likely to be disruptive. This variant is not present in population databases (ExAC no frequency). This sequence change replaces glutamine with arginine at codon 1199 of the LAMA4 protein (p.Gln1199Arg). The glutamine residue is highly conserved and there is a small physicochemical difference between glutamine and arginine.